The following is an entry in ClinVar:

NM_000088.4(COL1A1):c.1287_1290dup (p.Gly431fs)

Gene: COL1A1 (collagen type I alpha 1 chain; minus strand). Cytogenetic location: 17q21.33.
Variant type: Duplication.
Coding change: c.1287_1290dup on transcript NM_000088.4 (MANE Select); coding-DNA positions 1287 to 1290, 4 bases duplicated (CAAG; older notation c.1287_1290dupCAAG).
Protein change: p.Gly431fs; shifts the reading frame from glycine 431.
Molecular consequence: frameshift variant.
Genome position (GRCh38, 1-based): chr17:50,195,241-50,195,244, CTTG duplicated on the plus strand (CAAG on the coding strand, the reverse complement: COL1A1 is on the minus strand). VCF-style (leftmost placement, unchanged base first): chr17-50195240-C-CCTTG. GRCh37 (hg19) VCF-style: chr17-48272601-C-CCTTG.
Other names: short protein forms G431fs.
Identifiers: ClinVar variation 3650604 (VCV003650604.2).

ClinVar aggregate classification (germline): Pathogenic (1 of 4 stars; one submission).

Conditions:
Osteogenesis imperfecta type I (OI1). Also called: Classic Non-deforming Osteogenesis Imperfecta with Blue Sclerae; OI, TYPE I; OSTEOGENESIS IMPERFECTA TARDA; OSTEOGENESIS IMPERFECTA WITH BLUE SCLERAE; Osteogenesis imperfecta type 1; Lobstein's Disease. Identifiers: Orphanet 216796, Orphanet 666, MedGen C0023931, MONDO:0008146, OMIM 166200. Disease mechanism: loss of function.

Submission:

Labcorp Genetics (formerly Invitae), Labcorp
Classification: Pathogenic for Osteogenesis imperfecta type I. Last evaluated: 2024-04-22. Review status: criteria provided, single submitter. Criteria: Invitae Variant Classification Sherloc (09022015). Collection method: clinical testing. Allele origin: germline.
Comment: This sequence change creates a premature translational stop signal (p.Gly431Glnfs*3) in the COL1A1 gene. It is expected to result in an absent or disrupted protein product. Loss-of-function variants in COL1A1 are known to be pathogenic (PMID: 7942841, 9295084, 9443882). This variant is not present in population databases (gnomAD no frequency). This variant has not been reported in the literature in individuals affected with COL1A1-related conditions. For these reasons, this variant has been classified as Pathogenic.

Literature cited by the submitters: PubMed 7942841; PubMed 9295084; PubMed 9443882.